The following is an entry in ClinVar:

NM_003072.5(SMARCA4):c.3782A>G (p.His1261Arg)

Gene: SMARCA4 (SWI/SNF related BAF chromatin remodeling complex subunit ATPase 4; plus strand). Cytogenetic location: 19p13.2.
Variant type: single nucleotide variant.
Coding change: c.3782A>G on transcript NM_003072.5 (MANE Select); coding-DNA position 3782, A replaced by G.
Protein change: p.His1261Arg; replaces histidine 1261 with arginine.
Molecular consequence: missense variant. On other transcripts: intron variant (5).
Genome position (GRCh38, 1-based): chr19:11,033,774, A>G. VCF-style: chr19-11033774-A-G. GRCh37 (hg19) VCF-style: chr19-11144450-A-G.
Other names: c.3782A>G (NM_001128849.1); c.3782A>G, p.His1261Arg (NM_001128844.3, NM_001128849.3, NM_001387283.1); c.3774+257A>G (NM_001128847.4, NM_001374457.1, NM_001128845.2 and 2 more transcripts); short protein forms H1261R.
Identifiers: ClinVar variation 1060410 (VCV001060410.10), dbSNP rs2075086500, ClinGen allele CA404066403.

ClinVar aggregate classification (germline): Uncertain significance. Review status: criteria provided, multiple submitters, no conflicts (2 of 4 stars). 2 submissions from 2 submitters: Uncertain significance (2). Last evaluated 2025-09-07.

Conditions:
Hereditary cancer-predisposing syndrome. Also called: Neoplastic Syndromes, Hereditary; Hereditary Cancer Syndrome; Hereditary neoplastic syndrome; Tumor predisposition. Identifiers: Orphanet 140162, MedGen C0027672, MeSH D009386, MONDO:0015356.
Rhabdoid tumor predisposition syndrome 2 (RTPS2). Identifiers: Orphanet 231108, Orphanet 69077, MedGen C2750074, MONDO:0013224, OMIM 613325.

Submissions (2):

Ambry Genetics
Classification: Uncertain significance for Hereditary cancer-predisposing syndrome. Last evaluated: 2025-09-07. Review status: criteria provided, single submitter. Criteria: Ambry Variant Classification Scheme 2023. Collection method: clinical testing. Allele origin: germline.
Comment: The p.H1261R variant (also known as c.3782A>G), located in coding exon 26 of the SMARCA4 gene, results from an A to G substitution at nucleotide position 3782. The histidine at codon 1261 is replaced by arginine, an amino acid with highly similar properties. This amino acid position is conserved. In addition, this alteration is predicted to be tolerated by in silico analysis. Based on the available evidence, the clinical significance of this variant remains unclear.

Labcorp Genetics (formerly Invitae), Labcorp
Classification: Uncertain significance for Rhabdoid tumor predisposition syndrome 2. Last evaluated: 2020-10-12. Review status: criteria provided, single submitter. Criteria: Invitae Variant Classification Sherloc (09022015). Collection method: clinical testing. Allele origin: germline.
Comment: In summary, the available evidence is currently insufficient to determine the role of this variant in disease. Therefore, it has been classified as a Variant of Uncertain Significance. Algorithms developed to predict the effect of missense changes on protein structure and function (SIFT, PolyPhen-2, Align-GVGD) all suggest that this variant is likely to be tolerated, but these predictions have not been confirmed by published functional studies and their clinical significance is uncertain. This variant has not been reported in the literature in individuals with SMARCA4-related conditions. This variant is not present in population databases (ExAC no frequency). This sequence change replaces histidine with arginine at codon 1261 of the SMARCA4 protein (p.His1261Arg). The histidine residue is moderately conserved and there is a small physicochemical difference between histidine and arginine.